The following is an entry in ClinVar:

NM_000215.4(JAK3):c.*1293C>T

Gene: JAK3 (Janus kinase 3; minus strand). Cytogenetic location: 19p13.11.
Variant type: single nucleotide variant.
Coding change: c.*1293C>T on transcript NM_000215.4 (MANE Select); 1293 bases downstream of the stop codon, C replaced by T.
Molecular consequence: 3 prime UTR variant.
Genome position (GRCh38, 1-based): chr19:17,825,450, G>A on the plus strand (C>T on the coding strand, the complement: JAK3 is on the minus strand). VCF-style: chr19-17825450-G-A. GRCh37 (hg19) VCF-style: chr19-17936259-G-A.
Identifiers: ClinVar variation 328471 (VCV000328471.6), dbSNP rs73014967, ClinGen allele CA10652312.

ClinVar aggregate classification (germline): Benign. Review status: criteria provided, multiple submitters, no conflicts (2 of 4 stars). 2 submissions from 2 submitters: Benign (2). Last evaluated 2018-01-13.

Conditions:
T-B+ severe combined immunodeficiency due to JAK3 deficiency. Also called: SCID, autosomal recessive, T-negative/B-positive type; SCID, T CELL-NEGATIVE, B CELL-POSITIVE, NK CELL-NEGATIVE. Identifiers: Orphanet 35078, MedGen C1833275, MONDO:0010938, OMIM 600802.

Allele frequency attached by ClinVar (database versions not stated): 1000 Genomes Project 30x 0.15787; gnomAD 0.17398 and 0.17621; TOPMed 0.17420; 1000 Genomes Project 0.15915; gnomAD exomes 0.19608.
gnomAD v4.1: 39,312 of 215,624 alleles (18%); highest among the groups gnomAD compares: Middle Eastern, 31%; 3,858 homozygotes.

Submissions (2):

Illumina Laboratory Services, Illumina
Classification: Benign for T-B+ severe combined immunodeficiency due to JAK3 deficiency. Last evaluated: 2018-01-13. Review status: criteria provided, single submitter. Criteria: ICSL Variant Classification Criteria 13 December 2019. Collection method: clinical testing. Allele origin: germline.
Comment: This variant was observed in the ICSL laboratory as part of a predisposition screen in an ostensibly healthy population. It had not been previously curated by ICSL or reported in the Human Gene Mutation Database (HGMD: prior to June 1st, 2018), and was therefore a candidate for classification through an automated scoring system. Utilizing variant allele frequency, disease prevalence and penetrance estimates, and inheritance mode, an automated score was calculated to assess if this variant is too frequent to cause the disease. Based on the score and internal cut-off values, a variant classified as benign is not then subjected to further curation. The score for this variant resulted in a classification of benign for this disease.

Breakthrough Genomics
Classification: Benign. Review status: criteria provided, single submitter. Criteria: ACMG Guidelines, 2015. Collection method: not provided. Allele origin: germline. Inheritance: Autosomal recessive inheritance. Affected: yes.